The following is an entry in ClinVar:

ClinVar aggregate classification (germline): Uncertain significance (1 of 4 stars; one submission).

Submission:

Labcorp Genetics (formerly Invitae), Labcorp
Classification: Uncertain significance. Last evaluated: 2020-02-07. Review status: criteria provided, single submitter. Criteria: Invitae Variant Classification Sherloc (09022015). Collection method: clinical testing. Allele origin: germline.
Comment: This sequence change replaces proline with arginine at codon 12 of the RHO protein (p.Pro12Arg). The proline residue is highly conserved and there is a moderate physicochemical difference between proline and arginine. This variant is not present in population databases (ExAC no frequency). This variant has been observed in individual(s) with clinical features of autosomal dominant retinitis pigmentosa (PMID: 24265693, Invitae). This variant has been reported to have conflicting or insufficient data to determine the effect on RHO protein function (PMID: 30977563). In summary, the available evidence is currently insufficient to determine the role of this variant in disease. Therefore, it has been classified as a Variant of Uncertain Significance.

Literature cited by the submitters: PubMed 24265693; PubMed 30977563.

NM_000539.3(RHO):c.35C>G (p.Pro12Arg)

Gene: RHO (rhodopsin; plus strand). Cytogenetic location: 3q22.1.
Variant type: single nucleotide variant.
Coding change: c.35C>G on transcript NM_000539.3 (MANE Select); coding-DNA position 35, C replaced by G.
Protein change: p.Pro12Arg; replaces proline 12 with arginine.
Molecular consequence: missense variant.
Genome position (GRCh38, 1-based): chr3:129,528,768, C>G. VCF-style: chr3-129528768-C-G. GRCh37 (hg19) VCF-style: chr3-129247611-C-G.
Other names: short protein forms P12R.
Identifiers: ClinVar variation 1036590 (VCV001036590.8), dbSNP rs1198077854, ClinGen allele CA354495267.